The following is an entry in ClinVar:

ClinVar aggregate classification (germline): Likely benign (1 of 4 stars; one submission).

gnomAD v4.1: 1 of 1,614,008 alleles (0.000062%); highest among the groups gnomAD compares: Non-Finnish European, 0.000085%; no homozygotes.

Submission:

CeGaT Center for Human Genetics Tuebingen
Classification: Likely benign. Last evaluated: 2024-08-01. Review status: criteria provided, single submitter. Criteria: CeGaT Center For Human Genetics Tuebingen Variant Classification Criteria Version 2. Collection method: clinical testing. Allele origin: germline. Affected: yes. Observed: 1 variant allele.
Comment: TET3: BP4, BP7

NM_001287491.2(TET3):c.3423G>A (p.Val1141=)

Gene: TET3 (tet methylcytosine dioxygenase 3; plus strand). Cytogenetic location: 2p13.1.
Variant type: single nucleotide variant.
Coding change: c.3423G>A on transcript NM_001287491.2 (MANE Select); coding-DNA position 3423, G replaced by A.
Protein change: p.Val1141=; no amino-acid change (valine 1141 retained).
Molecular consequence: synonymous variant.
Genome position (GRCh38, 1-based): chr2:74,099,431, G>A. VCF-style: chr2-74099431-G-A. GRCh37 (hg19) VCF-style: chr2-74326558-G-A.
Other names: c.3144G>A, p.Val1048= (NM_001366022.1).
Identifiers: ClinVar variation 3342143 (VCV003342143.16).
Genomic context (GRCh38, chr2:74,099,431, plus strand): 5'-GGATGAGTTTGGTAGCGAGGAGAACCAGAATGCAAAGGTGGGCAGCGGAGCCATCCAGGT[G>A]CTCACCGCCTTCCCCCGCGAGGTCCGACGCCTGCCCGAGCCTGCCAAGTCCTGCCGCCAG-3'
Protein context (NP_001274420.1, residues 1131-1151): NAKVGSGAIQ[Val1141=]LTAFPREVRR